The following is an entry in ClinVar:

NM_006005.3(WFS1):c.1228C>T (p.Leu410Phe)

Gene: WFS1 (wolframin ER transmembrane glycoprotein; plus strand). Cytogenetic location: 4p16.1.
Variant type: single nucleotide variant.
Coding change: c.1228C>T on transcript NM_006005.3 (MANE Select); coding-DNA position 1228, C replaced by T.
Protein change: p.Leu410Phe; replaces leucine 410 with phenylalanine.
Molecular consequence: missense variant.
Genome position (GRCh38, 1-based): chr4:6,301,023, C>T. VCF-style: chr4-6301023-C-T. GRCh37 (hg19) VCF-style: chr4-6302750-C-T.
Other names: c.1228C>T, p.Leu410Phe (NM_001145853.1); short protein forms L410F.
Identifiers: ClinVar variation 2992909 (VCV002992909.3), dbSNP rs184573849, ClinGen allele CA91796238.
Genomic context (GRCh38, chr4:6,301,023, plus strand): 5'-GTGGAGCAGGCCGAGGTCAACTTCGGCTGGAACCACCTGGAGCCCTATGCCCATTTCCTG[C>T]TCTCTGTCTTCTTCGTCATCTTCTCCTTCCCCATCGCCAGCAAGGACTGCATCCCCTGCT-3'
Protein context (NP_005996.2, residues 400-420): NHLEPYAHFL[Leu410Phe]SVFFVIFSFP

ClinVar aggregate classification (germline): Uncertain significance (1 of 4 stars; one submission).

Allele frequency attached by ClinVar (database versions not stated): gnomAD 0.00001; 1000 Genomes Project 30x 0.00016; 1000 Genomes Project 0.00020.
gnomAD v4.1: 1 of 1,614,066 alleles (0.000062%); highest among the groups gnomAD compares: East Asian, 0.0022%; no homozygotes.

Submission:

Labcorp Genetics (formerly Invitae), Labcorp
Classification: Uncertain significance. Last evaluated: 2022-11-24. Review status: criteria provided, single submitter. Criteria: Invitae Variant Classification Sherloc (09022015). Collection method: clinical testing. Allele origin: germline.
Comment: This sequence change replaces leucine, which is neutral and non-polar, with phenylalanine, which is neutral and non-polar, at codon 410 of the WFS1 protein (p.Leu410Phe). This variant is not present in population databases (gnomAD no frequency). This variant has not been reported in the literature in individuals affected with WFS1-related conditions. Advanced modeling of protein sequence and biophysical properties (such as structural, functional, and spatial information, amino acid conservation, physicochemical variation, residue mobility, and thermodynamic stability) performed at Invitae indicates that this missense variant is not expected to disrupt WFS1 protein function. In summary, the available evidence is currently insufficient to determine the role of this variant in disease. Therefore, it has been classified as a Variant of Uncertain Significance.